The following is an entry in ClinVar:

ClinVar aggregate classification (germline): Uncertain significance. Review status: criteria provided, multiple submitters, no conflicts (2 of 4 stars). 2 submissions from 2 submitters: Uncertain significance (2). Last evaluated 2025-05-20.

gnomAD v4.1: 5 of 1,613,222 alleles (0.00031%); highest among the groups gnomAD compares: Admixed American, 0.005%; no homozygotes.

Submissions (2):

Ambry Genetics
Classification: Uncertain significance. Last evaluated: 2025-05-20. Review status: criteria provided, single submitter. Criteria: Ambry Variant Classification Scheme 2023. Collection method: clinical testing. Allele origin: germline.

Labcorp Genetics (formerly Invitae), Labcorp
Classification: Uncertain significance. Last evaluated: 2024-05-25. Review status: criteria provided, single submitter. Criteria: Invitae Variant Classification Sherloc (09022015). Collection method: clinical testing. Allele origin: germline.
Comment: This sequence change replaces asparagine, which is neutral and polar, with serine, which is neutral and polar, at codon 684 of the SULF1 protein (p.Asn684Ser). This variant is present in population databases (no rsID available, gnomAD 0.003%). This variant has not been reported in the literature in individuals affected with SULF1-related conditions. Algorithms developed to predict the effect of missense changes on protein structure and function output the following: SIFT: "Not Available"; PolyPhen-2: "Benign"; Align-GVGD: "Not Available". The serine amino acid residue is found in multiple mammalian species, which suggests that this missense change does not adversely affect protein function. In summary, the available evidence is currently insufficient to determine the role of this variant in disease. Therefore, it has been classified as a Variant of Uncertain Significance.

NM_001128205.2(SULF1):c.2051A>G (p.Asn684Ser)

Gene: SULF1 (sulfatase 1; plus strand). Cytogenetic location: 8q13.3.
Variant type: single nucleotide variant.
Coding change: c.2051A>G on transcript NM_001128205.2 (MANE Select); coding-DNA position 2051, A replaced by G.
Protein change: p.Asn684Ser; replaces asparagine 684 with serine.
Molecular consequence: missense variant. On other transcripts: non-coding transcript variant (7).
Genome position (GRCh38, 1-based): chr8:69,628,179, A>G. VCF-style: chr8-69628179-A-G. GRCh37 (hg19) VCF-style: chr8-70540414-A-G.
Other names: c.2051A>G, p.Asn684Ser (NM_001412831.1, NM_001412833.1, NM_001412834.1 and 9 more transcripts); c.1922A>G, p.Asn641Ser (NM_001412832.1, NM_001412838.1, NM_001412839.1 and 1 more transcripts); c.1994A>G, p.Asn665Ser (NM_001412836.1, NM_001412837.1); c.1865A>G, p.Asn622Ser (NM_001412841.1, NM_001412842.1); c.1451A>G, p.Asn484Ser (NM_001412844.1, NM_001412845.1); c.260A>G, p.Asn87Ser (NM_001412846.1); c.2051A>G (NM_001128205.1); short protein forms N484S, N622S, N641S, N665S, N684S, N87S.
Identifiers: ClinVar variation 3608301 (VCV003608301.3).